The following is an entry in ClinVar:

ClinVar aggregate classification (germline): Uncertain significance. Review status: reviewed by expert panel (3 of 4 stars). 3 submissions from 3 submitters: Uncertain significance (1). 2 of the submissions do not count toward it. Last evaluated 2026-01-23.

Conditions:
Neuromuscular disease caused by qualitative or quantitative defects of dysferlin. Also called: Dysferlinopathy; Qualitative or quantitative defects of dysferlin. Identifiers: Orphanet 207073, MedGen C2931687, MONDO:0016145.
Autosomal recessive limb-girdle muscular dystrophy. Identifiers: Orphanet 102015, MedGen C2931907, MONDO:0015152.

Allele frequency attached by ClinVar (database versions not stated): ExAC 0.00001; TOPMed 0.00002; gnomAD exomes 0.00002 and 0.00001; gnomAD 0.00004 and 0.00003.
gnomAD v4.1: 27 of 1,614,014 alleles (0.0017%); highest among the groups gnomAD compares: African/African-American, 0.004%; no homozygotes.

Submissions (3):

ClinGen Limb Girdle Muscular Dystrophy Variant Curation Expert Panel, ClinGen
Classification: Uncertain significance for Autosomal recessive limb-girdle muscular dystrophy. Last evaluated: 2026-01-23. Review status: reviewed by expert panel. Criteria: ClinGen LGMD VCEP ACMG Specifications DYSF V2.0.0. Collection method: curation. Allele origin: germline. Inheritance: Autosomal recessive inheritance.
Comment: The NM_003494.4: c.3445G>A variant in DYSF, which is also known as NM_001130987.2: c.3499G>A p.(Gly1167Arg), is a missense variant predicted to cause substitution of glycine to arginine at amino acid 1149, p.(Gly1149Arg). It affects the second amino acid of exon 32. This variant was reported in an individual with suspected LGMD, but it was confirmed to be in cis with an adjacent nucleotide change, NM_003494.4: c.3444T>A p.(Tyr1148Ter), indicating it was part of a multi-nucleotide variant c.3444_3445delTGinsAA p.(Tyr1148Ter) (PMID: 36983702). The filtering allele frequency of this variant is 0.000028604 (the upper threshold of the 95% CI of 24/1180002 European (non-Finnish) chromosomes) in gnomAD v4.1.0, which is less than the ClinGen LGMD VCEP threshold (≤0.0001) (PM2_Supporting). GnomAD v4.1.0 read data suggest it occurrs in cis with c.3444T>A p.(Tyr1148Ter) in additional individuals. Immunofluorescence and 2-A assays of dysferlin membrane localization in HEK293T cells showed that the Gly1149Arg protein reached the cell membrane, indicating no significant impact on this aspect of protein function (PMID: 35028538; BS3 not met). The computational predictor REVEL gives a score of 0.68, and SpliceAI gives a delta score of 0.83 for acceptor gain (PP3). In summary, this variant is classified as a variant of uncertain significance for autosomal recessive limb girdle muscular dystrophy based on the ACMG/AMP criteria applied, as specified by the ClinGen LGMD VCEP (specifications v2.0.0; 01/23/2026): PM2_Supporting, PP3.

Illumina Laboratory Services, Illumina
Classification: Uncertain significance for Qualitative or quantitative defects of dysferlin. Last evaluated: 2017-04-27. Review status: criteria provided, single submitter. Criteria: ICSL Variant Classification Criteria 13 December 2019. Collection method: clinical testing. Allele origin: germline. Not counted in ClinVar's aggregate classification.

Eurofins Ntd Llc (ga)
Classification: Uncertain significance. Last evaluated: 2016-12-06. Review status: criteria provided, single submitter. Criteria: EGL Classification Definitions 2015. Collection method: clinical testing. Allele origin: germline. Observed: 3 variant alleles, 3 heterozygotes. Not counted in ClinVar's aggregate classification.

NM_001130987.2(DYSF):c.3499G>A (p.Gly1167Arg)

Gene: DYSF (dysferlin; plus strand). Cytogenetic location: 2p13.2.
Variant type: single nucleotide variant.
Coding change: c.3499G>A on transcript NM_001130987.2 (MANE Select); coding-DNA position 3499, G replaced by A.
Protein change: p.Gly1167Arg; replaces glycine 1167 with arginine.
Molecular consequence: missense variant.
Genome position (GRCh38, 1-based): chr2:71,590,213, G>A. VCF-style: chr2-71590213-G-A. GRCh37 (hg19) VCF-style: chr2-71817343-G-A.
Other names: NM_001130987.2(DYSF):c.3499G>A; p.Gly1167Arg; c.3448G>A, p.Gly1150Arg (NM_001130455.2, NM_001130983.2); c.3403G>A, p.Gly1135Arg (NM_001130976.2, NM_001130977.2); c.3445G>A, p.Gly1149Arg (NM_001130978.2, NM_003494.4); c.3538G>A, p.Gly1180Arg (NM_001130979.2); c.3496G>A, p.Gly1166Arg (NM_001130980.2, NM_001130981.2); c.3541G>A, p.Gly1181Arg (NM_001130982.2); and 2 more; short protein forms G1149R, G1167R, G1166R, G1181R, G1180R, G1135R, G1136R, G1150R.
Identifiers: ClinVar variation 496979 (VCV000496979.10), dbSNP rs751942463, ClinGen allele CA1706607.